The following is an entry in ClinVar:

NM_000077.5(CDKN2A):c.123G>T (p.Pro41=)

Gene: CDKN2A (cyclin dependent kinase inhibitor 2A; minus strand). Cytogenetic location: 9p21.3.
Variant type: single nucleotide variant.
Coding change: c.123G>T on transcript NM_000077.5; coding-DNA position 123, G replaced by T.
Protein change: p.Pro41=; no amino-acid change (proline 41 retained).
Molecular consequence: intron variant (on NM_001363763.2). On other transcripts: synonymous variant (3).
Genome position (GRCh38, 1-based): chr9:21,974,705, C>A on the plus strand (G>T on the coding strand, the complement: CDKN2A is on the minus strand). VCF-style: chr9-21974705-C-A. GRCh37 (hg19) VCF-style: chr9-21974704-C-A.
Other names: c.-3-3497G>T (NM_001363763.2); c.194-3497G>T (NM_058195.4); c.123G>T, p.Pro41= (NM_000077.6, NM_001195132.2, NM_058197.5).
Identifiers: ClinVar variation 3999770 (VCV003999770.2).

ClinVar aggregate classification (germline): Benign/Likely benign. Review status: criteria provided, multiple submitters, no conflicts (2 of 4 stars). 2 submissions from 2 submitters: Benign (1); Likely benign (1). Last evaluated 2025-08-13.

Conditions:
Melanoma-pancreatic cancer syndrome. Identifiers: Orphanet 404560, MedGen C1838547, MONDO:0011713, OMIM 606719. Disease mechanism: loss of function.
Hereditary cancer-predisposing syndrome. Also called: Hereditary Cancer Syndrome; Hereditary neoplastic syndrome; Neoplastic Syndromes, Hereditary; Tumor predisposition. Identifiers: Orphanet 140162, MedGen C0027672, MeSH D009386, MONDO:0015356.

Submissions (2):

Myriad Genetics, Inc.
Classification: Benign for Melanoma-pancreatic cancer syndrome. Last evaluated: 2025-08-13. Review status: criteria provided, single submitter. Criteria: Myriad Autosomal Dominant, Autosomal Recessive and X-Linked Classification Criteria (2023). Collection method: clinical testing. Allele origin: unknown.
Comment: This variant is considered benign. This variant is a silent/synonymous amino acid change and it is not expected to impact splicing.

Ambry Genetics
Classification: Likely benign for Hereditary cancer-predisposing syndrome. Last evaluated: 2025-04-13. Review status: criteria provided, single submitter. Criteria: Ambry Variant Classification Scheme 2023. Collection method: clinical testing. Allele origin: germline.